The following is an entry in ClinVar:

ClinVar aggregate classification (germline): Uncertain significance. Review status: criteria provided, multiple submitters, no conflicts (2 of 4 stars). 2 submissions from 2 submitters: Uncertain significance (2). Last evaluated 2025-06-30.

gnomAD v4.1: 12 of 1,613,540 alleles (0.00074%); highest among the groups gnomAD compares: South Asian, 0.0011%; no homozygotes.

Submissions (2):

GeneDx
Classification: Uncertain significance. Last evaluated: 2025-06-30. Review status: criteria provided, single submitter. Criteria: GeneDx Variant Classification Process June 2021. Collection method: clinical testing. Allele origin: germline. Affected: yes.
Comment: In silico analysis supports that this missense variant has a deleterious effect on protein structure/function; Has not been previously published as pathogenic or benign to our knowledge

Blueprint Genetics
Classification: Uncertain significance. Last evaluated: 2023-05-05. Review status: criteria provided, single submitter. Criteria: ACMG Guidelines, 2015. Collection method: clinical testing. Allele origin: germline.

NM_001199799.2(ILDR1):c.419A>T (p.His140Leu)

Gene: ILDR1 (immunoglobulin like domain containing receptor 1; minus strand). Cytogenetic location: 3q13.33.
Variant type: single nucleotide variant.
Coding change: c.419A>T on transcript NM_001199799.2 (MANE Select); coding-DNA position 419, A replaced by T.
Protein change: p.His140Leu; replaces histidine 140 with leucine.
Molecular consequence: missense variant. On other transcripts: intron variant (1).
Genome position (GRCh38, 1-based): chr3:122,001,825, T>A on the plus strand (A>T on the coding strand, the complement: ILDR1 is on the minus strand). VCF-style: chr3-122001825-T-A. GRCh37 (hg19) VCF-style: chr3-121720672-T-A.
Other names: c.419A>T, p.His140Leu (NM_175924.4); c.379+3419A>T (NM_001199800.2); short protein forms H140L.
Identifiers: ClinVar variation 4680920 (VCV004680920.2).